The following is an entry in ClinVar:

NM_001177316.2(SLC34A3):c.218T>C (p.Val73Ala)

Gene: SLC34A3 (solute carrier family 34 member 3; plus strand). Cytogenetic location: 9q34.3.
Variant type: single nucleotide variant.
Coding change: c.218T>C on transcript NM_001177316.2 (MANE Select); coding-DNA position 218, T replaced by C.
Protein change: p.Val73Ala; replaces valine 73 with alanine.
Molecular consequence: missense variant.
Genome position (GRCh38, 1-based): chr9:137,232,617, T>C. VCF-style: chr9-137232617-T-C. GRCh37 (hg19) VCF-style: chr9-140127069-T-C.
Other names: c.218T>C, p.Val73Ala (NM_001177317.2, NM_080877.3); short protein forms V73A.
Identifiers: ClinVar variation 64499 (VCV000064499.3), dbSNP rs387907511, ClinGen allele CA216280.
Genomic context (GRCh38, chr9:137,232,617, plus strand): 5'-CCTGCCCTGTGTCCTCAGAGCTCCGCGTGGCCGGCAGGCTGCGCCGCGTGGCCGGCAGCG[T>C]CCTCAAGGCCTGCGGGCTCCTCGGCAGCCTGTACTTCTTCATCTGCTCTCTGGACGTCCT-3'
Protein context (NP_001170787.2, residues 63-83): AGRLRRVAGS[Val73Ala]LKACGLLGSL

ClinVar aggregate classification (germline): Uncertain significance (0 of 4 stars; one submission).

Submission:

Martin Pollak Laboratory,  Beth Israel Deaconess Medical Center
Classification: Uncertain significance. Review status: no assertion criteria provided. Collection method: not provided. Allele origin: unknown.
Comment: Lower UCa2+ group
ClinVar note: Converted during submission from unknown to Uncertain significance.